The following is an entry in ClinVar:

NM_004655.4(AXIN2):c.2340G>T (p.Met780Ile)

Gene: AXIN2 (axin 2; minus strand). Cytogenetic location: 17q24.1.
Variant type: single nucleotide variant.
Coding change: c.2340G>T on transcript NM_004655.4 (MANE Select); coding-DNA position 2340, G replaced by T.
Protein change: p.Met780Ile; replaces methionine 780 with isoleucine.
Molecular consequence: missense variant.
Genome position (GRCh38, 1-based): chr17:65,533,977, C>A on the plus strand (G>T on the coding strand, the complement: AXIN2 is on the minus strand). VCF-style: chr17-65533977-C-A. GRCh37 (hg19) VCF-style: chr17-63530095-C-A.
Other names: c.2145G>T, p.Met715Ile (NM_001363813.1); short protein forms M715I, M780I.
Identifiers: ClinVar variation 1692854 (VCV001692854.7), dbSNP rs1555576371, ClinGen allele CA400675462.

ClinVar aggregate classification (germline): Uncertain significance. Review status: criteria provided, multiple submitters, no conflicts (2 of 4 stars). 2 submissions from 2 submitters: Uncertain significance (2). Last evaluated 2022-10-16.

Conditions:
Hereditary cancer-predisposing syndrome. Also called: Hereditary neoplastic syndrome; Tumor predisposition; Neoplastic Syndromes, Hereditary; Hereditary Cancer Syndrome. Identifiers: Orphanet 140162, MedGen C0027672, MeSH D009386, MONDO:0015356.
Oligodontia-cancer predisposition syndrome. Also called: TOOTH AGENESIS-COLORECTAL CANCER SYNDROME. Identifiers: Orphanet 300576, MedGen C1837750, MONDO:0012075, OMIM 608615. Disease mechanism: loss of function.

Submissions (2):

Labcorp Genetics (formerly Invitae), Labcorp
Classification: Uncertain significance for Oligodontia-cancer predisposition syndrome. Last evaluated: 2022-10-16. Review status: criteria provided, single submitter. Criteria: Invitae Variant Classification Sherloc (09022015). Collection method: clinical testing. Allele origin: germline.
Comment: In summary, the available evidence is currently insufficient to determine the role of this variant in disease. Therefore, it has been classified as a Variant of Uncertain Significance. Advanced modeling of protein sequence and biophysical properties (such as structural, functional, and spatial information, amino acid conservation, physicochemical variation, residue mobility, and thermodynamic stability) performed at Invitae indicates that this missense variant is not expected to disrupt AXIN2 protein function. ClinVar contains an entry for this variant (Variation ID: 1692854). This variant has not been reported in the literature in individuals affected with AXIN2-related conditions. This variant is not present in population databases (gnomAD no frequency). This sequence change replaces methionine, which is neutral and non-polar, with isoleucine, which is neutral and non-polar, at codon 780 of the AXIN2 protein (p.Met780Ile).

Sema4
Classification: Uncertain significance for Hereditary cancer-predisposing syndrome. Last evaluated: 2021-11-29. Review status: criteria provided, single submitter. Criteria: Sema4 Curation Guidelines. Collection method: curation. Allele origin: germline.
Comment: The AXIN2 c.2340G>T (p.M780I) variant has not been reported in literature to our knowledge. It was not observed in the large and broad cohorts of the Genome Aggregation Database (PMID: 32461654). This variant has not been reported in ClinVar. In silico tools suggest the impact of the variant on protein function is benign, though these predictions have not been confirmed by functional studies. The evidence is insufficient to meet ACMG/AMP criteria for classifying the variant as benign or pathogenic. Thus, the clinical significance of this variant is currently uncertain.